The following is an entry in ClinVar:

NM_000548.5(TSC2):c.1563_1599+94del

Gene: TSC2 (TSC complex subunit 2; plus strand). Cytogenetic location: 16p13.3.
Variant type: Deletion.
Coding change: c.1563_1599+94del on transcript NM_000548.5 (MANE Select); coding-DNA position 1563 through 94 bases into the intron after coding-DNA position 1599, 131 bases deleted.
Molecular consequence: splice donor variant.
Genome position (GRCh38, 1-based): chr16:2,064,391-2,064,521, 131 bases deleted. GRCh37 (hg19): chr16:2,114,392-2,114,522.
Other names: c.1563_1599+94del (NM_001114382.3, NM_021055.3, NM_001370405.1 and 3 more transcripts); c.1452_1488+94del (NM_001318827.2); c.963_999+94del (NM_001318831.2); c.1416_1452+94del (NM_001318829.2); c.1596_1632+94del (NM_001318832.2).
Identifiers: ClinVar variation 946066 (VCV000946066.1), dbSNP rs2087026946, ClinGen allele CA1139664299.

ClinVar aggregate classification (germline): Pathogenic (1 of 4 stars; one submission).

Conditions:
Tuberous sclerosis 2 (TSC2). Identifiers: Orphanet 805, MedGen C1860707, MONDO:0013199, OMIM 613254.

Submission:

Labcorp Genetics (formerly Invitae), Labcorp
Classification: Pathogenic for Tuberous sclerosis 2. Last evaluated: 2019-07-24. Review status: criteria provided, single submitter. Criteria: Invitae Variant Classification Sherloc (09022015). Collection method: clinical testing. Allele origin: germline.
Comment: This variant is a deletion of the genomic region encompassing part of exon 15 (c.1563_1599+94del) of the TSC2 gene. It is expected to disrupt RNA splicing and likely results in an absent or disrupted protein product. This variant has been observed to be de novo in an individual with clinical features of tuberous sclerosis complex (Invitae). Loss-of-function variants in TSC2 are known to be pathogenic (PMID: 10205261, 17304050). For these reasons, this variant has been classified as Pathogenic.